The following is an entry in ClinVar:

ClinVar aggregate classification (germline): Uncertain significance (1 of 4 stars; one submission).

Allele frequency attached by ClinVar (database versions not stated): gnomAD exomes 0.00002; ExAC 0.00003.

Submission:

Labcorp Genetics (formerly Invitae), Labcorp
Classification: Uncertain significance. Last evaluated: 2022-04-25. Review status: criteria provided, single submitter. Criteria: Invitae Variant Classification Sherloc (09022015). Collection method: clinical testing. Allele origin: germline.
Comment: In summary, the available evidence is currently insufficient to determine the role of this variant in disease. Therefore, it has been classified as a Variant of Uncertain Significance. Algorithms developed to predict the effect of missense changes on protein structure and function are either unavailable or do not agree on the potential impact of this missense change (SIFT: "Deleterious"; PolyPhen-2: "Benign"; Align-GVGD: "Class C0"). This variant has not been reported in the literature in individuals affected with CD151-related conditions. This variant is present in population databases (rs755807906, gnomAD 0.006%). This sequence change replaces arginine, which is basic and polar, with histidine, which is basic and polar, at codon 133 of the CD151 protein (p.Arg133His).

NM_004357.5(CD151):c.398G>A (p.Arg133His)

Gene: CD151 (CD151 molecule (Raph blood group); plus strand). Cytogenetic location: 11p15.5.
Variant type: single nucleotide variant.
Coding change: c.398G>A on transcript NM_004357.5 (MANE Select); coding-DNA position 398, G replaced by A.
Protein change: p.Arg133His; replaces arginine 133 with histidine.
Molecular consequence: missense variant.
Genome position (GRCh38, 1-based): chr11:837,296, G>A. VCF-style: chr11-837296-G-A. GRCh37 (hg19) VCF-style: chr11-837296-G-A.
Other names: c.398G>A, p.Arg133His (NM_001039490.2, NM_139029.2, NM_139030.4); short protein forms R133H.
Identifiers: ClinVar variation 1921912 (VCV001921912.5), dbSNP rs755807906, ClinGen allele CA5792185.